The following is an entry in ClinVar:

ClinVar aggregate classification (germline): Uncertain significance (1 of 4 stars; one submission).

Conditions:
Hereditary sensory and autonomic neuropathy type 6. Also called: HSAN VI; Neuropathy, hereditary sensory and autonomic, type VI. Identifiers: Orphanet 314381, MedGen C3539003, MONDO:0013839, OMIM 614653.
Epidermolysis bullosa simplex 3, localized or generalized intermediate, with BP230 deficiency (EBS3). Also called: Epidermolysis bullosa simplex due to BP230 deficiency; Epidermolysis bullosa simplex, autosomal recessive 2. Identifiers: Orphanet 412181, MedGen C3809470, MONDO:0014180, OMIM 615425.

Allele frequency attached by ClinVar (database versions not stated): ExAC 0.00002.

Submission:

Labcorp Genetics (formerly Invitae), Labcorp
Classification: Uncertain significance for Epidermolysis bullosa simplex 3, localized or generalized intermediate, with BP230 deficiency; Hereditary sensory and autonomic neuropathy type 6. Last evaluated: 2021-04-08. Review status: criteria provided, single submitter. Criteria: Invitae Variant Classification Sherloc (09022015). Collection method: clinical testing. Allele origin: germline.
Comment: In summary, the available evidence is currently insufficient to determine the role of this variant in disease. Therefore, it has been classified as a Variant of Uncertain Significance. Experimental studies and prediction algorithms are not available or were not evaluated, and the functional significance of this variant is currently unknown. This variant has not been reported in the literature in individuals with DST-related conditions. This variant is present in population databases (rs765806951, ExAC 0.005%). This sequence change replaces glutamic acid with glycine at codon 1900 of the DST protein (p.Glu1900Gly). The DST gene has multiple clinically relevant transcripts. This variant occurs in alternate transcript M_015548.4, and corresponds to NM_001723.5:c.*43264A>G in the primary transcript.

NM_001374736.1(DST):c.13568A>G (p.Glu4523Gly)

Gene: DST (dystonin; minus strand). Cytogenetic location: 6p12.1.
Variant type: single nucleotide variant.
Coding change: c.13568A>G on transcript NM_001374736.1 (MANE Select); coding-DNA position 13568, A replaced by G.
Protein change: p.Glu4523Gly; replaces glutamic acid 4523 with glycine.
Molecular consequence: missense variant.
Genome position (GRCh38, 1-based): chr6:56,572,253, T>C on the plus strand (A>G on the coding strand, the complement: DST is on the minus strand). VCF-style: chr6-56572253-T-C. GRCh37 (hg19) VCF-style: chr6-56437051-T-C.
Other names: c.7211A>G, p.Glu2404Gly (NM_001144769.5); c.6797A>G, p.Glu2266Gly (NM_001144770.2); c.13568A>G, p.Glu4523Gly (NM_001374722.1); c.12935A>G, p.Glu4312Gly (NM_001374729.1); c.6677A>G, p.Glu2226Gly (NM_001374730.1, NM_001386100.1, NM_183380.4); c.13595A>G, p.Glu4532Gly (NM_001374734.1); c.5699A>G, p.Glu1900Gly (NM_015548.5); short protein forms E4312G, E4532G, E1900G, E2226G, E2266G, E2404G, E4523G.
Identifiers: ClinVar variation 1524078 (VCV001524078.6), dbSNP rs765806951, ClinGen allele CA3868192.